The following is an entry in ClinVar:

ClinVar aggregate classification (germline): Uncertain significance (1 of 4 stars; one submission).

Submission:

Women's Health and Genetics/Laboratory Corporation of America, LabCorp
Classification: Uncertain significance. Last evaluated: 2025-10-08. Review status: criteria provided, single submitter. Criteria: LabCorp Variant Classification Summary - May 2015. Collection method: clinical testing. Allele origin: germline.
Comment: Variant summary: PCYT2 c.176A>G (p.Asp59Gly) results in a non-conservative amino acid change in the encoded protein sequence. Algorithms developed to predict the effect of missense changes on protein structure and function all suggest that this variant is likely to be disruptive. The variant was absent in 250718 control chromosomes. The available data on variant occurrences in the general population are insufficient to allow any conclusion about variant significance. To our knowledge, no occurrence of c.176A>G in individuals affected with PCYT2-related conditions and no experimental evidence demonstrating its impact on protein function have been reported. No submitters have cited clinical-significance assessments for this variant to ClinVar. Based on the evidence outlined above, the variant was classified as uncertain significance.

NM_002861.5(PCYT2):c.176A>G (p.Asp59Gly)

Gene: PCYT2 (phosphate cytidylyltransferase 2, ethanolamine; minus strand). Cytogenetic location: 17q25.3.
Variant type: single nucleotide variant.
Coding change: c.176A>G on transcript NM_002861.5 (MANE Select); coding-DNA position 176, A replaced by G.
Protein change: p.Asp59Gly; replaces aspartic acid 59 with glycine.
Molecular consequence: missense variant. On other transcripts: initiator codon variant (1), 5 prime UTR variant (2).
Genome position (GRCh38, 1-based): chr17:81,909,516, T>C on the plus strand (A>G on the coding strand, the complement: PCYT2 is on the minus strand). VCF-style: chr17-81909516-T-C. GRCh37 (hg19) VCF-style: chr17-79867392-T-C.
Other names: c.176A>G, p.Asp59Gly (NM_001184917.3, NM_001256433.3, NM_001330518.2); c.1A>G, p.Met1Val (NM_001256434.3); c.-343A>G (NM_001256435.3, NM_001282203.2); c.80A>G, p.Asp27Gly (NM_001282204.2); short protein forms D27G, D59G, M1V.
Identifiers: ClinVar variation 4687456 (VCV004687456.1).